The following is an entry in ClinVar:

NM_004360.5(CDH1):c.1364C>G (p.Ala455Gly)

Gene: CDH1 (cadherin 1; plus strand). Cytogenetic location: 16q22.1.
Variant type: single nucleotide variant.
Coding change: c.1364C>G on transcript NM_004360.5 (MANE Select); coding-DNA position 1364, C replaced by G.
Protein change: p.Ala455Gly; replaces alanine 455 with glycine.
Molecular consequence: missense variant. On other transcripts: 5 prime UTR variant (2).
Genome position (GRCh38, 1-based): chr16:68,815,558, C>G. VCF-style: chr16-68815558-C-G. GRCh37 (hg19) VCF-style: chr16-68849461-C-G.
Other names: c.1181C>G, p.Ala394Gly (NM_001317184.2); c.-185C>G (NM_001317185.2); c.-456C>G (NM_001317186.2); short protein forms A394G, A455G.
Identifiers: ClinVar variation 1404881 (VCV001404881.8), dbSNP rs532576241, ClinGen allele CA283308186.
Genomic context (GRCh38, chr16:68,815,558, plus strand): 5'-TTGTTTCTGCTCTCTAGGGCTTGGATTTTGAGGCCAAGCAGCAGTACATTCTACACGTAG[C>G]AGTGACGAATGTGGTACCTTTTGAGGTCTCTCTCACCACCTCCACAGCCACCGTCACCGT-3'
Protein context (NP_004351.1, residues 445-465): EAKQQYILHV[Ala455Gly]VTNVVPFEVS

ClinVar aggregate classification (germline): Uncertain significance (1 of 4 stars; one submission).

Conditions:
Hereditary diffuse gastric adenocarcinoma (HDGC). Also called: DIFFUSE GASTRIC AND LOBULAR BREAST CANCER SYNDROME. Identifiers: Orphanet 26106, MedGen C1708349, MONDO:0007648, OMIM 137215.

Allele frequency attached by ClinVar (database versions not stated): gnomAD exomes below 0.00001.
gnomAD v4.1: 4 of 1,614,162 alleles (0.00025%); highest among the groups gnomAD compares: African/African-American, 0.004%; no homozygotes.

Submission:

Labcorp Genetics (formerly Invitae), Labcorp
Classification: Uncertain significance for Hereditary diffuse gastric adenocarcinoma. Last evaluated: 2025-05-23. Review status: criteria provided, single submitter. Criteria: Invitae Variant Classification Sherloc (09022015). Collection method: clinical testing. Allele origin: germline.
Comment: This sequence change replaces alanine, which is neutral and non-polar, with glycine, which is neutral and non-polar, at codon 455 of the CDH1 protein (p.Ala455Gly). This variant is not present in population databases (gnomAD no frequency). This variant has not been reported in the literature in individuals affected with CDH1-related conditions. ClinVar contains an entry for this variant (Variation ID: 1404881). An algorithm developed to predict the effect of missense changes on protein structure and function (PolyPhen-2) suggests that this variant is likely to be tolerated. In summary, the available evidence is currently insufficient to determine the role of this variant in disease. Therefore, it has been classified as a Variant of Uncertain Significance.